The following is an entry in ClinVar:

NM_006891.4(CRYGD):c.479C>T (p.Thr160Met)

Genes: CRYGD (crystallin gamma D; minus strand), LOC100507443 (uncharacterized LOC100507443; plus strand). Cytogenetic location: 2q33.3.
Variant type: single nucleotide variant.
Coding change: c.479C>T on transcript NM_006891.4 (MANE Select); coding-DNA position 479, C replaced by T.
Protein change: p.Thr160Met; replaces threonine 160 with methionine.
Molecular consequence: missense variant.
Genome position (GRCh38, 1-based): chr2:208,121,719, G>A on the plus strand (C>T on the coding strand, the complement: CRYGD is on the minus strand). VCF-style: chr2-208121719-G-A. GRCh37 (hg19) VCF-style: chr2-208986443-G-A.
Other names: short protein forms T160M.
Identifiers: ClinVar variation 896706 (VCV000896706.7), dbSNP rs564197072, ClinGen allele CA2077625.

ClinVar aggregate classification (germline): Conflicting classifications of pathogenicity. Review status: criteria provided, conflicting classifications (1 of 4 stars). 3 submissions from 3 submitters: Uncertain significance (1); Benign (1); Likely benign (1). Last evaluated 2025-11-06.

Conditions:
Aculeiform cataract (CTRCT4). Also called: Fasciculiform cataract; Frosted cataract; Needle-shaped cataract. Identifiers: MedGen C1861832, HP:0010926.
Inborn genetic diseases. Identifiers: MedGen C0950123, MeSH D030342.
Cataract 4 multiple types. Also called: CATARACT 4, PUNCTATE; CATARACT 4, CRYSTALLINE; CATARACT 4, CENTRAL NUCLEAR; CATARACT 4, NONNUCLEAR POLYMORPHIC CONGENITAL; CATARACT 4, ACULEIFORM; CATARACT 4 WITH MICROCORNEA. Identifiers: Orphanet 1377, MedGen C3540850, MONDO:0007281, OMIM 115700.

Allele frequency attached by ClinVar (database versions not stated): gnomAD 0.00001 and 0.00002; gnomAD exomes 0.00002 and 0.00004; ExAC 0.00007; 1000 Genomes Project 30x 0.00016; 1000 Genomes Project 0.00020.

Submissions (3):

Ambry Genetics
Classification: Likely benign for Inborn genetic diseases. Last evaluated: 2025-11-06. Review status: criteria provided, single submitter. Criteria: Ambry Variant Classification Scheme 2023. Collection method: clinical testing. Allele origin: germline.

Labcorp Genetics (formerly Invitae), Labcorp
Classification: Uncertain significance for Aculeiform cataract. Last evaluated: 2024-09-06. Review status: criteria provided, single submitter. Criteria: Invitae Variant Classification Sherloc (09022015). Collection method: clinical testing. Allele origin: germline.
Comment: This sequence change replaces threonine, which is neutral and polar, with methionine, which is neutral and non-polar, at codon 160 of the CRYGD protein (p.Thr160Met). This variant is present in population databases (rs564197072, gnomAD 0.03%). This variant has not been reported in the literature in individuals affected with CRYGD-related conditions. ClinVar contains an entry for this variant (Variation ID: 896706). An algorithm developed to predict the effect of missense changes on protein structure and function outputs the following: PolyPhen-2: "Benign". The methionine amino acid residue is found in multiple mammalian species, which suggests that this missense change does not adversely affect protein function. In summary, the available evidence is currently insufficient to determine the role of this variant in disease. Therefore, it has been classified as a Variant of Uncertain Significance.

Illumina Laboratory Services, Illumina
Classification: Benign for Cataract 4 multiple types. Last evaluated: 2018-01-12. Review status: criteria provided, single submitter. Criteria: ICSL Variant Classification Criteria 13 December 2019. Collection method: clinical testing. Allele origin: germline.
Comment: This variant was observed in the ICSL laboratory as part of a predisposition screen in an ostensibly healthy population. It had not been previously curated by ICSL or reported in the Human Gene Mutation Database (HGMD: prior to June 1st, 2018), and was therefore a candidate for classification through an automated scoring system. Utilizing variant allele frequency, disease prevalence and penetrance estimates, and inheritance mode, an automated score was calculated to assess if this variant is too frequent to cause the disease. Based on the score and internal cut-off values, a variant classified as benign is not then subjected to further curation. The score for this variant resulted in a classification of benign for this disease.